The following is an entry in ClinVar:

ClinVar aggregate classification (germline): Uncertain significance (1 of 4 stars; one submission).

Submission:

Labcorp Genetics (formerly Invitae), Labcorp
Classification: Uncertain significance. Last evaluated: 2024-03-26. Review status: criteria provided, single submitter. Criteria: Invitae Variant Classification Sherloc (09022015). Collection method: clinical testing. Allele origin: germline.
Comment: This sequence change falls in intron 6 of the SAG gene. It does not directly change the encoded amino acid sequence of the SAG protein. Information on the frequency of this variant in the gnomAD database is not available, as this variant may be reported differently in the database. This variant has not been reported in the literature in individuals affected with SAG-related conditions. ClinVar contains an entry for this variant (Variation ID: 2135367). Experimental studies and prediction algorithms are not available or were not evaluated, and the effect of this variant on mRNA splicing is currently unknown. In summary, the available evidence is currently insufficient to determine the role of this variant in disease. Therefore, it has been classified as a Variant of Uncertain Significance.

NM_000541.5(SAG):c.436-19_436-18delinsCC

Gene: SAG (S-antigen visual arrestin; plus strand). Cytogenetic location: 2q37.1.
Variant type: Indel.
Coding change: c.436-19_436-18delinsCC on transcript NM_000541.5 (MANE Select); 19 bases into the intron before coding-DNA position 436 through 18 bases into the intron before coding-DNA position 436, TG replaced by CC.
Molecular consequence: intron variant.
Genome position (GRCh38, 1-based): chr2:233,327,102-233,327,103, TG replaced by CC. VCF-style: chr2-233327102-TG-CC. GRCh37 (hg19) VCF-style: chr2-234235748-TG-CC.
Identifiers: ClinVar variation 2135367 (VCV002135367.4), dbSNP rs2469784164, ClinGen allele CA2580066068.
Genomic context (GRCh38, chr2:233,327,102, plus strand): 5'-GTGTGAGGTGTGGCCCTCTGGCCCGGCACCCAGGGAGGGAGTCGCTGATCGCTGCCTGTC[TG>CC]CTCTCTCTCCCCAACAGTCCTGTGGGGTTGACTTTGAGGTCAAAGCATTCGCCACAGACA-3'